The following is an entry in ClinVar:

NM_005045.4(RELN):c.6595A>G (p.Ser2199Gly)

Gene: RELN (reelin; minus strand). Cytogenetic location: 7q22.1.
Variant type: single nucleotide variant.
Coding change: c.6595A>G on transcript NM_005045.4 (MANE Select); coding-DNA position 6595, A replaced by G.
Protein change: p.Ser2199Gly; replaces serine 2199 with glycine.
Molecular consequence: missense variant.
Genome position (GRCh38, 1-based): chr7:103,542,807, T>C on the plus strand (A>G on the coding strand, the complement: RELN is on the minus strand). VCF-style: chr7-103542807-T-C. GRCh37 (hg19) VCF-style: chr7-103183254-T-C.
Other names: p.Ser2199Gly; c.6595A>G (NM_005045.3); c.6595A>G, p.Ser2199Gly (NM_173054.3); short protein forms S2199G.
Identifiers: ClinVar variation 2682991 (VCV002682991.2), dbSNP rs2484793484, ClinGen allele CA368770427.

ClinVar aggregate classification (germline): Uncertain significance. Review status: criteria provided, multiple submitters, no conflicts (2 of 4 stars). 2 submissions from 2 submitters: Uncertain significance (2). Last evaluated 2025-09-26.

Conditions:
Inborn genetic diseases. Identifiers: MedGen C0950123, MeSH D030342.

Allele frequency attached by ClinVar (database versions not stated): gnomAD exomes below 0.00001.
gnomAD v4.1: 1 of 1,614,160 alleles (0.000062%); highest among the groups gnomAD compares: South Asian, 0.0011%; no homozygotes.

Submissions (2):

Ambry Genetics
Classification: Uncertain significance for Inborn genetic diseases. Last evaluated: 2025-09-26. Review status: criteria provided, single submitter. Criteria: Ambry Variant Classification Scheme 2023. Collection method: clinical testing. Allele origin: germline.

Mayo Clinic Laboratories, Mayo Clinic
Classification: Uncertain significance. Last evaluated: 2022-08-30. Review status: criteria provided, single submitter. Criteria: ACMG Guidelines, 2015. Collection method: clinical testing. Allele origin: germline. Observed: 1 variant allele.
Comment: BP4, PM2